The following is an entry in ClinVar:

NM_020745.4(AARS2):c.2008-297C>T

Gene: AARS2 (alanyl-tRNA synthetase 2, mitochondrial; minus strand). Cytogenetic location: 6p21.1.
Variant type: single nucleotide variant.
Coding change: c.2008-297C>T on transcript NM_020745.4 (MANE Select); 297 bases into the intron before coding-DNA position 2008, C replaced by T.
Molecular consequence: intron variant.
Genome position (GRCh38, 1-based): chr6:44,303,720, G>A on the plus strand (C>T on the coding strand, the complement: AARS2 is on the minus strand). VCF-style: chr6-44303720-G-A. GRCh37 (hg19) VCF-style: chr6-44271457-G-A.
Identifiers: ClinVar variation 673074 (VCV000673074.1), dbSNP rs76553603, ClinGen allele CA138386441.

ClinVar aggregate classification (germline): Benign (1 of 4 stars; one submission).

Allele frequency attached by ClinVar (database versions not stated): TOPMed 0.01654; gnomAD 0.01667 and 0.01560; 1000 Genomes Project 30x 0.02077; 1000 Genomes Project 0.02097.
gnomAD v4.1: 2,357 of 152,314 alleles (1.5%); highest among the groups gnomAD compares: African/African-American, 5.4%; 67 homozygotes.

Submission:

GeneDx
Classification: Benign. Last evaluated: 2018-06-14. Review status: criteria provided, single submitter. Criteria: GeneDx Variant Classification (06012015). Collection method: clinical testing. Allele origin: germline. Affected: yes.
Comment: This variant is considered likely benign or benign based on one or more of the following criteria: it is a conservative change, it occurs at a poorly conserved position in the protein, it is predicted to be benign by multiple in silico algorithms, and/or has population frequency not consistent with disease.